The following is an entry in ClinVar:

NM_052947.4(ALPK2):c.2462C>A (p.Ser821Tyr)

Gene: ALPK2 (alpha kinase 2; minus strand). Cytogenetic location: 18q21.31.
Variant type: single nucleotide variant.
Coding change: c.2462C>A on transcript NM_052947.4 (MANE Select); coding-DNA position 2462, C replaced by A.
Protein change: p.Ser821Tyr; replaces serine 821 with tyrosine.
Molecular consequence: missense variant.
Genome position (GRCh38, 1-based): chr18:58,537,725, G>T on the plus strand (C>A on the coding strand, the complement: ALPK2 is on the minus strand). VCF-style: chr18-58537725-G-T. GRCh37 (hg19) VCF-style: chr18-56204957-G-T.
Other names: short protein forms S821Y.
Identifiers: ClinVar variation 1791649 (VCV001791649.3), dbSNP rs766680753, ClinGen allele CA8977071.

ClinVar aggregate classification (germline): Uncertain significance (1 of 4 stars; one submission).

Allele frequency attached by ClinVar (database versions not stated): gnomAD exomes 0.00001; TOPMed 0.00002; ExAC 0.00005.
gnomAD v4.1: 7 of 1,614,148 alleles (0.00043%); highest among the groups gnomAD compares: Admixed American, 0.01%; no homozygotes.

Submission:

Ambry Genetics
Classification: Uncertain significance. Last evaluated: 2024-05-23. Review status: criteria provided, single submitter. Criteria: Ambry Variant Classification Scheme 2023. Collection method: clinical testing. Allele origin: germline.
Comment: The p.S821Y variant (also known as c.2462C>A), located in coding exon 4 of the ALPK2 gene, results from a C to A substitution at nucleotide position 2462. The serine at codon 821 is replaced by tyrosine, an amino acid with dissimilar properties. This amino acid position is conserved. In addition, this alteration is predicted to be tolerated by in silico analysis. Since supporting evidence is limited at this time, the clinical significance of this alteration remains unclear.